The following is an entry in ClinVar:

NM_212482.4(FN1):c.665G>A (p.Arg222His)

Gene: FN1 (fibronectin 1; minus strand). Cytogenetic location: 2q35.
Variant type: single nucleotide variant.
Coding change: c.665G>A on transcript NM_212482.4 (MANE Select); coding-DNA position 665, G replaced by A.
Protein change: p.Arg222His; replaces arginine 222 with histidine.
Molecular consequence: missense variant.
Genome position (GRCh38, 1-based): chr2:215,430,735, C>T on the plus strand (G>A on the coding strand, the complement: FN1 is on the minus strand). VCF-style: chr2-215430735-C-T. GRCh37 (hg19) VCF-style: chr2-216295458-C-T.
Other names: c.665G>A, p.Arg222His (NM_001306129.2, NM_001306130.2, NM_001306131.2 and 14 more transcripts); short protein forms R222H.
Identifiers: ClinVar variation 1368764 (VCV001368764.10), dbSNP rs778971356, ClinGen allele CA2095493.

ClinVar aggregate classification (germline): Conflicting classifications of pathogenicity. Review status: criteria provided, conflicting classifications (1 of 4 stars). 2 submissions from 2 submitters: Uncertain significance (1); Likely benign (1). Last evaluated 2024-04-15.

Conditions:
Glomerulopathy with fibronectin deposits 2 (GFND2). Identifiers: Orphanet 84090, MedGen C1866075, MONDO:0011165, OMIM 601894.
Spondylometaphyseal dysplasia - Sutcliffe type. Also called: Spondylometaphyseal dysplasia, 'corner fracture' type; Spondylometaphyseal Dysplasia, Corner Fracture Type; Sutcliffe type of spondylometaphyseal dysplasia; Sutcliffe SMD. Identifiers: Orphanet 93315, MedGen C0432221, MONDO:0008479, OMIM 184255.

Allele frequency attached by ClinVar (database versions not stated): ExAC 0.00001; gnomAD exomes 0.00001 and 0.00002; TOPMed 0.00002.
gnomAD v4.1: 41 of 1,614,062 alleles (0.0025%); highest among the groups gnomAD compares: Non-Finnish European, 0.0026%; no homozygotes.

Submissions (2):

Fulgent Genetics
Classification: Likely benign for Spondylometaphyseal dysplasia - Sutcliffe type; Glomerulopathy with fibronectin deposits 2. Last evaluated: 2024-04-15. Review status: criteria provided, single submitter. Criteria: ACMG Guidelines, 2015. Collection method: clinical testing. Allele origin: germline.

Labcorp Genetics (formerly Invitae), Labcorp
Classification: Uncertain significance. Last evaluated: 2022-06-13. Review status: criteria provided, single submitter. Criteria: Invitae Variant Classification Sherloc (09022015). Collection method: clinical testing. Allele origin: germline.
Comment: In summary, the available evidence is currently insufficient to determine the role of this variant in disease. Therefore, it has been classified as a Variant of Uncertain Significance. Algorithms developed to predict the effect of missense changes on protein structure and function are either unavailable or do not agree on the potential impact of this missense change (SIFT: "Not Available"; PolyPhen-2: "Benign"; Align-GVGD: "Not Available"). This variant has not been reported in the literature in individuals affected with FN1-related conditions. This variant is present in population databases (rs778971356, gnomAD 0.002%). This sequence change replaces arginine, which is basic and polar, with histidine, which is basic and polar, at codon 222 of the FN1 protein (p.Arg222His).